The following is an entry in ClinVar:

ClinVar aggregate classification (germline): Uncertain significance. Review status: criteria provided, multiple submitters, no conflicts (2 of 4 stars). 3 submissions from 3 submitters: Uncertain significance (3). Last evaluated 2026-06-10.

Conditions:
Regional enteritis. Also called: Enteritis, Granulomatous. Identifiers: MedGen C0678202, MeSH D003424.
Blau syndrome (BLAUS). Also called: ARTHROCUTANEOUVEAL GRANULOMATOSIS; GRANULOMATOSIS, FAMILIAL JUVENILE SYSTEMIC; GRANULOMATOSIS, FAMILIAL, BLAU TYPE; GRANULOMATOUS INFLAMMATORY ARTHRITIS, DERMATITIS, AND UVEITIS, FAMILIAL; JABS SYNDROME. Identifiers: Orphanet 90340, MedGen C5201146, MONDO:0008523, OMIM 186580.
Inborn genetic diseases. Identifiers: MedGen C0950123, MeSH D030342.

Allele frequency attached by ClinVar (database versions not stated): TOPMed below 0.00001; gnomAD 0.00001; gnomAD exomes 0.00001 and 0.00002; ExAC 0.00002.

Submissions (3):

Women's Health and Genetics/Laboratory Corporation of America, LabCorp
Classification: Uncertain significance. Last evaluated: 2026-06-10. Review status: criteria provided, single submitter. Criteria: LabCorp Variant Classification Summary - May 2015. Collection method: clinical testing. Allele origin: germline.
Comment: Variant summary: NOD2 c.2242G>A (p.Glu748Lys) results in a conservative amino acid change in the encoded protein sequence. Algorithms developed to predict the effect of missense changes on protein structure and function are either unavailable or do not agree on the potential impact of this missense change. The variant allele was found at a frequency of 1.6e-05 in 251282 control chromosomes. The available data on variant occurrences in the general population are insufficient to allow any conclusion about variant significance. To our knowledge, no occurrence of c.2242G>A in individuals affected with NOD2-related conditions and no experimental evidence demonstrating its impact on protein function have been reported. ClinVar contains an entry for this variant (Variation ID: 644507). Based on the evidence outlined above, the variant was classified as uncertain significance.

Labcorp Genetics (formerly Invitae), Labcorp
Classification: Uncertain significance for Regional enteritis; Blau syndrome. Last evaluated: 2025-10-25. Review status: criteria provided, single submitter. Criteria: Invitae Variant Classification Sherloc (09022015). Collection method: clinical testing. Allele origin: germline.
Comment: This sequence change replaces glutamic acid, which is acidic and polar, with lysine, which is basic and polar, at codon 748 of the NOD2 protein (p.Glu748Lys). This variant is present in population databases (rs757403209, gnomAD 0.005%). This variant has not been reported in the literature in individuals affected with NOD2-related conditions. ClinVar contains an entry for this variant (Variation ID: 644507). Invitae Evidence Modeling of protein sequence and biophysical properties (such as structural, functional, and spatial information, amino acid conservation, physicochemical variation, residue mobility, and thermodynamic stability) has been performed for this missense variant. However, the output from this modeling did not meet the statistical confidence thresholds required to predict the impact of this variant on NOD2 protein function. In summary, the available evidence is currently insufficient to determine the role of this variant in disease. Therefore, it has been classified as a Variant of Uncertain Significance.

Ambry Genetics
Classification: Uncertain significance for Inborn genetic diseases. Last evaluated: 2022-04-07. Review status: criteria provided, single submitter. Criteria: Ambry Variant Classification Scheme 2023. Collection method: clinical testing. Allele origin: germline.

NM_001370466.1(NOD2):c.2161G>A (p.Glu721Lys)

Gene: NOD2 (nucleotide binding oligomerization domain containing 2; plus strand). Cytogenetic location: 16q12.1.
Variant type: single nucleotide variant.
Coding change: c.2161G>A on transcript NM_001370466.1 (MANE Select); coding-DNA position 2161, G replaced by A.
Protein change: p.Glu721Lys; replaces glutamic acid 721 with lysine.
Molecular consequence: missense variant. On other transcripts: non-coding transcript variant (1).
Genome position (GRCh38, 1-based): chr16:50,712,153, G>A. VCF-style: chr16-50712153-G-A. GRCh37 (hg19) VCF-style: chr16-50746064-G-A.
Other names: c.2161G>A, p.Glu721Lys (NM_001293557.2); c.2242G>A, p.Glu748Lys (NM_022162.3); c.2242G>A (NM_022162.1); short protein forms E721K, E748K.
Identifiers: ClinVar variation 644507 (VCV000644507.13), dbSNP rs757403209, ClinGen allele CA8051735.
Genomic context (GRCh38, chr16:50,712,153, plus strand): 5'-GGTGAGGCCAAGAGCGTGCATGCCATGCCCGGGTTCATCTGGCTCATCCGGAGCCTGTAC[G>A]AGATGCAGGAGGAGCGGCTGGCTCGGAAGGCTGCACGTGGCCTGAATGTTGGGCACCTCA-3'
Protein context (NP_001357395.1, residues 711-731): GFIWLIRSLY[Glu721Lys]MQEERLARKA